The following is an entry in ClinVar:

ClinVar aggregate classification (germline): Pathogenic (1 of 4 stars; one submission).

Conditions:
Nephrotic syndrome, type 8 (NPHS8). Identifiers: Orphanet 656, MedGen C3808953, MONDO:0014099, OMIM 615244.

Submission:

Women's Health and Genetics/Laboratory Corporation of America, LabCorp
Classification: Pathogenic for Nephrotic syndrome, type 8. Last evaluated: 2025-01-07. Review status: criteria provided, single submitter. Criteria: LabCorp Variant Classification Summary - May 2015. Collection method: clinical testing. Allele origin: germline.
Comment: Variant summary: The variant involves the deletion of exons 1-6 in the ARHGDIA gene. A presumed nomenclature of c.(?_-390)_(*1156_?)del has been designated for the purposes of this classification. This deletion includes the entire coding sequence of the gene. As the exact proximal and distal breakpoints are unknown, it may extend beyond the annotated region of the gene to include other flanking genes. The variant was absent in 21694 control chromosomes. To our knowledge, no occurrence of c.(?_-390)_(*1156_?)del in individuals affected with Nephrotic Syndrome, Type 8 and no experimental evidence demonstrating its impact on protein function have been reported. No submitters have cited clinical-significance assessments for this variant to ClinVar. Based on the evidence outlined above, the variant was classified as pathogenic.

NC_000017.10:g.(?_79825596)_(79828874_?)del

Gene: ARHGDIA (Rho GDP dissociation inhibitor alpha; minus strand). Cytogenetic location: 17q25.3.
Variant type: Deletion.
Identifiers: ClinVar variation 3769217 (VCV003769217.2).